The following is an entry in ClinVar:

NM_002226.5(JAG2):c.1101C>T (p.Ser367=)

Gene: JAG2 (jagged canonical Notch ligand 2; minus strand). Cytogenetic location: 14q32.33.
Variant type: single nucleotide variant.
Coding change: c.1101C>T on transcript NM_002226.5 (MANE Select); coding-DNA position 1101, C replaced by T.
Protein change: p.Ser367=; no amino-acid change (serine 367 retained).
Molecular consequence: synonymous variant.
Genome position (GRCh38, 1-based): chr14:105,151,678, G>A on the plus strand (C>T on the coding strand, the complement: JAG2 is on the minus strand). VCF-style: chr14-105151678-G-A. GRCh37 (hg19) VCF-style: chr14-105618015-G-A.
Other names: c.1101C>T, p.Ser367= (NM_145159.3).
Identifiers: ClinVar variation 3032910 (VCV003032910.2), dbSNP rs768876569, ClinGen allele CA7386189.
Genomic context (GRCh38, chr14:105,151,678, plus strand): 5'-ACACTCACCAAGGGCACAGGTGGGCCCGCTCCAGCCCGATGGGCAGTGGCATTCGAAGCC[G>A]GACGGCACCTCATGGCAAGAGCCCCCGTTGGCACACGGGTTGGAGGTGCAGGCGTGCTCA-3'
Protein context (NP_002217.3, residues 357-377): ANGGSCHEVP[Ser367=]GFECHCPSGW

ClinVar aggregate classification (germline): Likely benign (0 of 4 stars; one submission).

Conditions:
JAG2-related disorder. Also called: JAG2-related condition.

Allele frequency attached by ClinVar (database versions not stated): gnomAD 0.00001; TOPMed 0.00002.
gnomAD v4.1: 154 of 1,611,274 alleles (0.0096%); highest among the groups gnomAD compares: Middle Eastern, 0.016%; no homozygotes.

Submission:

PreventionGenetics, part of Exact Sciences
Classification: Likely benign for JAG2-related condition. Last evaluated: 2022-07-26. Review status: no assertion criteria provided. Collection method: clinical testing. Allele origin: germline.
Comment: This variant is classified as likely benign based on ACMG/AMP sequence variant interpretation guidelines (Richards et al. 2015 PMID: 25741868, with internal and published modifications).